The following is an entry in ClinVar:

ClinVar aggregate classification (germline): Pathogenic/Likely pathogenic. Review status: criteria provided, multiple submitters, no conflicts (2 of 4 stars). 3 submissions from 3 submitters: Pathogenic (1); Likely pathogenic (1). 1 of the submissions does not count toward it. Last evaluated 2019-07-06.

Conditions:
Maturity-onset diabetes of the young (MODY). Also called: Maturity onset diabetes mellitus in young. Identifiers: Orphanet 552, MedGen C0342276, MONDO:0018911, HP:0004904.
Renal cysts and diabetes syndrome (RCAD). Also called: Familial hypoplastic, glomerulocystic kidney; MATURITY-ONSET DIABETES OF THE YOUNG, TYPE 5. Identifiers: Orphanet 93111, MedGen C0431693, MONDO:0007669, OMIM 137920.

Submissions (3):

Institute of Human Genetics, FAU Erlangen, Friedrich-Alexander-Universität Erlangen-Nürnberg
Classification: Pathogenic for Renal cysts and diabetes syndrome. Last evaluated: 2019-07-06. Review status: criteria provided, single submitter. Criteria: ACMG Guidelines, 2015. Collection method: literature only. Allele origin: germline. Affected: yes.
Comment: This variant and it's classification has been reported by Vasileiou et al. 2019; DOI:10.1101/576918. The variants has previously been reported in ClinVar:522424 as "NM_000458.3(HNF1B):c.121delG (p.Val41Terfs)" with clinical significance Pathogenic. It has been re-classified using InterVar and manual curation as Pathogenic based on PVS1 PM2 PP3.

Clinical Genomics, Uppaluri K&H Personalized Medicine Clinic
Classification: Likely pathogenic for Maturity-onset diabetes of the young. Review status: criteria provided, single submitter. Criteria: K & H Uppaluri Personalized Medicine Clinic Variant Classification & Assertion Criteria_Updated V.1. Collection method: research. Allele origin: unknown. Inheritance: Autosomal dominant inheritance.
Comment: HNF1B gene mutations are associated with early onset diabetes and pancreatic atrophy. It is also associated with multiple renal manifestations including renal cysts, Tubulointerstitial disease, glomerulocystic disease, renal hypoplasia, hypomagnesemia. However no sufficient evidence is found to ascertain the role of this particular variant rs1555833144, yet.

Bioscientia Institut fuer Medizinische Diagnostik GmbH, Sonic Healthcare
Classification: Pathogenic for Renal cysts and diabetes syndrome. Last evaluated: 2017-09-18. Review status: no assertion criteria provided. Collection method: clinical testing. Allele origin: germline. Affected: yes. Not counted in ClinVar's aggregate classification.

Literature cited by the submitters: DOI 10.1101/576918 (cited by Institute of Human Genetics, FAU Erlangen, Friedrich-Alexander-Universität Erlangen-Nürnberg); PubMed 24897035 (cited by Clinical Genomics, Uppaluri K&H Personalized Medicine Clinic); PubMed 25536396 (cited by Clinical Genomics, Uppaluri K&H Personalized Medicine Clinic); PubMed 27615128 (cited by Clinical Genomics, Uppaluri K&H Personalized Medicine Clinic); PubMed 28215227 (cited by Clinical Genomics, Uppaluri K&H Personalized Medicine Clinic); PubMed 33434175 (cited by Clinical Genomics, Uppaluri K&H Personalized Medicine Clinic); PubMed 25741167 (cited by Clinical Genomics, Uppaluri K&H Personalized Medicine Clinic); PubMed 26340261 (cited by Clinical Genomics, Uppaluri K&H Personalized Medicine Clinic); PubMed 19639018 (cited by Clinical Genomics, Uppaluri K&H Personalized Medicine Clinic).

NM_000458.4(HNF1B):c.121del (p.Gly40_Val41insTer)

Gene: HNF1B (HNF1 homeobox B; minus strand). Cytogenetic location: 17q12.
Variant type: Deletion.
Coding change: c.121del on transcript NM_000458.4 (MANE Select); coding-DNA position 121, one base deleted (G; older notation c.121delG).
Protein change: p.Gly40_Val41insTer.
Molecular consequence: nonsense.
Genome position (GRCh38, 1-based): chr17:37,744,764, C deleted on the plus strand (G on the coding strand, the reverse complement: HNF1B is on the minus strand); the first of 4 consecutive C bases (chr17:37,744,764-37,744,767); deleting any one gives the same sequence. VCF-style (leftmost placement, unchanged base first): chr17-37744763-AC-A. GRCh37 (hg19) VCF-style: chr17-36104754-AC-A.
Other names: c.121del, p.Gly40_Val41insTer (NM_001165923.4, NM_001304286.2).
Identifiers: ClinVar variation 522424 (VCV000522424.5), dbSNP rs1555833144, ClinGen allele CA658798822.